The following is an entry in ClinVar:

ClinVar aggregate classification (germline): Uncertain significance. Review status: criteria provided, multiple submitters, no conflicts (2 of 4 stars). 2 submissions from 2 submitters: Uncertain significance (2). Last evaluated 2025-07-15.

Conditions:
Inborn genetic diseases. Identifiers: MedGen C0950123, MeSH D030342.

Allele frequency attached by ClinVar (database versions not stated): TOPMed below 0.00001; gnomAD exomes 0.00001.

Submissions (2):

Ambry Genetics
Classification: Uncertain significance for Inborn genetic diseases. Last evaluated: 2025-07-15. Review status: criteria provided, single submitter. Criteria: Ambry Variant Classification Scheme 2023. Collection method: clinical testing. Allele origin: germline.

Labcorp Genetics (formerly Invitae), Labcorp
Classification: Uncertain significance. Last evaluated: 2023-12-18. Review status: criteria provided, single submitter. Criteria: Invitae Variant Classification Sherloc (09022015). Collection method: clinical testing. Allele origin: germline.
Comment: This sequence change replaces tyrosine, which is neutral and polar, with cysteine, which is neutral and slightly polar, at codon 270 of the KIAA0753 protein (p.Tyr270Cys). This variant is present in population databases (rs757281974, gnomAD 0.01%). This variant has not been reported in the literature in individuals affected with KIAA0753-related conditions. ClinVar contains an entry for this variant (Variation ID: 1921222). An algorithm developed to predict the effect of missense changes on protein structure and function (PolyPhen-2) suggests that this variant is likely to be disruptive. In summary, the available evidence is currently insufficient to determine the role of this variant in disease. Therefore, it has been classified as a Variant of Uncertain Significance.

NM_014804.3(KIAA0753):c.809A>G (p.Tyr270Cys)

Gene: KIAA0753 (KIAA0753; minus strand). Cytogenetic location: 17p13.1.
Variant type: single nucleotide variant.
Coding change: c.809A>G on transcript NM_014804.3 (MANE Select); coding-DNA position 809, A replaced by G.
Protein change: p.Tyr270Cys; replaces tyrosine 270 with cysteine.
Molecular consequence: missense variant. On other transcripts: 5 prime UTR variant (1), non-coding transcript variant (1).
Genome position (GRCh38, 1-based): chr17:6,624,771, T>C on the plus strand (A>G on the coding strand, the complement: KIAA0753 is on the minus strand). VCF-style: chr17-6624771-T-C. GRCh37 (hg19) VCF-style: chr17-6528091-T-C.
Other names: c.-426A>G (NM_001351225.2); short protein forms Y270C.
Identifiers: ClinVar variation 1921222 (VCV001921222.6), dbSNP rs757281974, ClinGen allele CA8330699.
Genomic context (GRCh38, chr17:6,624,771, plus strand): 5'-GTACACAAGGCTGACTGCCCTACTTCTCCCTGAACTTTTCACACCTGCTGCTGGAGGACG[T>C]AGAGCATTCGGGCAGAGCGAGCAGCTTGCTCCTGTCTCCTGATACGGATTCGACGTTCTT-3'
Protein context (NP_055619.2, residues 260-280): EQAARSARML[Tyr270Cys]VLQQQVKEIQ